The following is an entry in ClinVar:

NM_001844.5(COL2A1):c.3176G>C (p.Gly1059Ala)

Gene: COL2A1 (collagen type II alpha 1 chain; minus strand). Cytogenetic location: 12q13.11.
Variant type: single nucleotide variant.
Coding change: c.3176G>C on transcript NM_001844.5 (MANE Select); coding-DNA position 3176, G replaced by C.
Protein change: p.Gly1059Ala; replaces glycine 1059 with alanine.
Molecular consequence: missense variant.
Genome position (GRCh38, 1-based): chr12:47,977,417, C>G on the plus strand (G>C on the coding strand, the complement: COL2A1 is on the minus strand). VCF-style: chr12-47977417-C-G. GRCh37 (hg19) VCF-style: chr12-48371200-C-G.
Other names: c.2969G>C, p.Gly990Ala (NM_033150.3); short protein forms G1059A, G990A.
Identifiers: ClinVar variation 3346879 (VCV003346879.1).

ClinVar aggregate classification (germline): Likely pathogenic (0 of 4 stars; one submission).

Conditions:
COL2A1-related disorder. Also called: COL2A1-related condition; COL2A1-related disorders.

Submission:

PreventionGenetics, part of Exact Sciences
Classification: Likely pathogenic for COL2A1-related condition. Last evaluated: 2024-07-25. Review status: no assertion criteria provided. Collection method: clinical testing. Allele origin: germline.
Comment: The COL2A1 c.3176G>C variant is predicted to result in the amino acid substitution p.Gly1059Ala. To our knowledge, this variant has not been reported in the literature or in the large population database gnomAD, indicating this variant is rare. This variant affects a Gly residue of the conserved triple helical region from amino acids 201-1214. Glycine substitutions in the triple helical region of COL2A1 are expected to be pathogenic (Barat-Houari et al. 2016. PubMed ID: 26626311). This variant is interpreted as likely pathogenic.